The following is an entry in ClinVar:

ClinVar aggregate classification (germline): Uncertain significance. Review status: criteria provided, multiple submitters, no conflicts (2 of 4 stars). 2 submissions from 2 submitters: Uncertain significance (2). Last evaluated 2024-09-06.

Allele frequency attached by ClinVar (database versions not stated): gnomAD exomes below 0.00001.
gnomAD v4.1: 1 of 1,610,722 alleles (0.000062%); highest among the groups gnomAD compares: Non-Finnish European, 0.000085%; no homozygotes.

Submissions (2):

Labcorp Genetics (formerly Invitae), Labcorp
Classification: Uncertain significance. Last evaluated: 2024-09-06. Review status: criteria provided, single submitter. Criteria: Invitae Variant Classification Sherloc (09022015). Collection method: clinical testing. Allele origin: germline.
Comment: This sequence change replaces tyrosine, which is neutral and polar, with histidine, which is basic and polar, at codon 886 of the CSF1R protein (p.Tyr886His). This variant is not present in population databases (gnomAD no frequency). This variant has not been reported in the literature in individuals affected with CSF1R-related conditions. An algorithm developed to predict the effect of missense changes on protein structure and function (PolyPhen-2) suggests that this variant is likely to be disruptive. In summary, the available evidence is currently insufficient to determine the role of this variant in disease. Therefore, it has been classified as a Variant of Uncertain Significance.

Blueprint Genetics
Classification: Uncertain significance. Last evaluated: 2019-11-20. Review status: criteria provided, single submitter. Criteria: ACMG Guidelines, 2015. Collection method: clinical testing. Allele origin: germline.

NM_001288705.3(CSF1R):c.2656T>C (p.Tyr886His)

Gene: CSF1R (colony stimulating factor 1 receptor; minus strand). Cytogenetic location: 5q32.
Variant type: single nucleotide variant.
Coding change: c.2656T>C on transcript NM_001288705.3 (MANE Select); coding-DNA position 2656, T replaced by C.
Protein change: p.Tyr886His; replaces tyrosine 886 with histidine.
Molecular consequence: missense variant. On other transcripts: non-coding transcript variant (2).
Genome position (GRCh38, 1-based): chr5:150,054,429, A>G on the plus strand (T>C on the coding strand, the complement: CSF1R is on the minus strand). VCF-style: chr5-150054429-A-G. GRCh37 (hg19) VCF-style: chr5-149433992-A-G.
Other names: c.2656T>C, p.Tyr886His (NM_001349736.2, NM_001375320.1, NM_005211.4); c.2212T>C, p.Tyr738His (NM_001375321.1); short protein forms Y738H, Y886H.
Identifiers: ClinVar variation 2742228 (VCV002742228.4), dbSNP rs2480937758, ClinGen allele CA361757491.